The following is an entry in ClinVar:

NM_002661.5(PLCG2):c.2534T>C (p.Leu845Ser)

Gene: PLCG2 (phospholipase C gamma 2; plus strand). Cytogenetic location: 16q23.3.
Variant type: single nucleotide variant.
Coding change: c.2534T>C on transcript NM_002661.5 (MANE Select); coding-DNA position 2534, T replaced by C.
Protein change: p.Leu845Ser; replaces leucine 845 with serine.
Molecular consequence: missense variant.
Genome position (GRCh38, 1-based): chr16:81,928,577, T>C. VCF-style: chr16-81928577-T-C. GRCh37 (hg19) VCF-style: chr16-81962182-T-C.
Other names: short protein forms L845S.
Identifiers: ClinVar variation 1693266 (VCV001693266.2), dbSNP rs2143705605, ClinGen allele CA396902958.

ClinVar aggregate classification (germline): Likely pathogenic (0 of 4 stars; one submission).

Conditions:
Autoinflammation-PLCG2-associated antibody deficiency-immune dysregulation. Also called: Autoinflammation, antibody deficiency, and immune dysregulation, plcg2-associated; AUTOINFLAMMATION, ANTIBODY DEFICIENCY, AND IMMUNE DYSREGULATION; Autoinflammation, antibody deficiency, and immune dysregulation syndrome. Identifiers: Orphanet 324530, MedGen C3553961, MONDO:0013944, OMIM 614878.

Submission:

Department of Medical and Molecular Genetics, Dongguan Institute of Pediatrics
Classification: Likely pathogenic for Autoinflammation-PLCG2-associated antibody deficiency-immune dysregulation. Last evaluated: 2022-07-01. Review status: no assertion criteria provided. Collection method: clinical testing. Allele origin: de novo. Inheritance: Autosomal dominant inheritance. Affected: yes. Observed: 1 heterozygote.
Comment: The PLCG2 c.2534T>C missense variant (NM_002661.5) resulted in a predicted amino acid substitution of leucine to serine(p.Leu845Ser). According to American College of Medical Genetics and Genomics (ACMG) guidelines, this variant could be classified as likely pathogenic The specific is as follows: absence in general population (PM2), other pathogenic variants at the same amino acid positions (PM5), De novo (both maternity and paternity confirmed) in a patient with the disease and no family history.(PS2), and an expected deleterious effect in multiple line of computational algorithms (PP3).